The following is an entry in ClinVar:

NM_003002.4(SDHD):c.305A>T (p.His102Leu)

Gene: SDHD (succinate dehydrogenase complex subunit D; plus strand). Cytogenetic location: 11q23.1.
Variant type: single nucleotide variant.
Coding change: c.305A>T on transcript NM_003002.4 (MANE Select); coding-DNA position 305, A replaced by T.
Protein change: p.His102Leu; replaces histidine 102 with leucine.
Molecular consequence: missense variant. On other transcripts: non-coding transcript variant (1), intron variant (1).
Genome position (GRCh38, 1-based): chr11:112,089,002, A>T. VCF-style: chr11-112089002-A-T. GRCh37 (hg19) VCF-style: chr11-111959726-A-T.
Other names: c.188A>T, p.His63Leu (NM_001276504.2); c.305A>T, p.His102Leu (NM_001276506.2); c.169+1029A>T (NM_001276503.2); short protein forms H102L, H63L.
Identifiers: ClinVar variation 6898 (VCV000006898.21), dbSNP rs104894302, ClinGen allele CA016665.

ClinVar aggregate classification (germline): Pathogenic. Review status: criteria provided, multiple submitters, no conflicts (2 of 4 stars). 3 submissions from 3 submitters: Pathogenic (2). 1 of the submissions does not count toward it. Last evaluated 2025-06-06.

Conditions:
Pheochromocytoma. Also called: MAX-Related Hereditary Paraganglioma-Pheochromocytoma Syndrome. Identifiers: Orphanet 29072, MedGen C0031511, MONDO:0008233, OMIM 171300, HP:0002666.
Cowden syndrome 3 (CWS3). Identifiers: Orphanet 201, MedGen CN166604, MONDO:0014045.
Carney-Stratakis syndrome. Also called: PARAGANGLIOMA AND GASTROINTESTINAL STROMAL TUMOR. Identifiers: Orphanet 97286, MedGen C1847319, MONDO:0011740, OMIM 606864.
Paragangliomas with sensorineural hearing loss. Identifiers: MedGen C1868633.
Hereditary cancer-predisposing syndrome. Also called: Tumor predisposition; Hereditary neoplastic syndrome; Hereditary Cancer Syndrome; Neoplastic Syndromes, Hereditary. Identifiers: Orphanet 140162, MedGen C0027672, MeSH D009386, MONDO:0015356.
Pheochromocytoma/paraganglioma syndrome 1. Also called: PARAGANGLIOMATA; PARAGANGLIOMAS, FAMILIAL NONCHROMAFFIN, 1; PGL 1; Paragangliomas familial 1; Paraganglioma - glomus jugulare; SDHD-Related Hereditary Paraganglioma-Pheochromocytoma Syndrome. Identifiers: Orphanet 29072, MedGen C3494181, MONDO:0008192, OMIM 168000.

Submissions (3):

Ambry Genetics
Classification: Pathogenic for Hereditary cancer-predisposing syndrome. Last evaluated: 2025-06-06. Review status: criteria provided, single submitter. Criteria: Ambry Variant Classification Scheme 2023. Collection method: clinical testing. Allele origin: germline.
Comment: The p.H102L pathogenic mutation (also known as c.305A>T), located in coding exon 3 of the SDHD gene, results from an A to T substitution at nucleotide position 305. The histidine at codon 102 is replaced by leucine, an amino acid with similar properties. This mutation has been reported in multiple individuals with paraganglioma-pheochromocytoma (PGL/PCC) syndrome (Baysal BE et al. Science, 2000 Feb;287:848-51; Astrom K et al. Hum Genet, 2003 Aug;113:228-37; Ambry internal data). Other alterations at the same codon, p.H102N and p.H102Y, have been detected in patients with PGL/PCC syndrome (Piccini V et al. Endocr. Relat. Cancer. 2012 Apr;19(2):149-55; Bacca A et al. Head Neck. 2013 Jan;35(1):23-7; Benn DE et al. Endocr. Relat. Cancer. 2015 Aug;22:T91-103). This amino acid position is highly conserved in available vertebrate species. In addition, this alteration is predicted to be deleterious by in silico analysis. This variant is considered to be rare based on population cohorts in the Genome Aggregation Database (gnomAD). Based on the supporting evidence, this variant is interpreted as a disease-causing mutation.

Labcorp Genetics (formerly Invitae), Labcorp
Classification: Pathogenic for Carney-Stratakis syndrome; Paragangliomas with sensorineural hearing loss; Pheochromocytoma; Cowden syndrome 3. Last evaluated: 2024-04-08. Review status: criteria provided, single submitter. Criteria: Invitae Variant Classification Sherloc (09022015). Collection method: clinical testing. Allele origin: germline.
Comment: This sequence change replaces histidine, which is basic and polar, with leucine, which is neutral and non-polar, at codon 102 of the SDHD protein (p.His102Leu). This variant is not present in population databases (gnomAD no frequency). This missense change has been observed in individuals with paraganglioma (PMID: 10657297, 12811540; Invitae). It has also been observed to segregate with disease in related individuals. ClinVar contains an entry for this variant (Variation ID: 6898). Advanced modeling of protein sequence and biophysical properties (such as structural, functional, and spatial information, amino acid conservation, physicochemical variation, residue mobility, and thermodynamic stability) has been performed at Invitae for this missense variant, however the output from this modeling did not meet the statistical confidence thresholds required to predict the impact of this variant on SDHD protein function. This variant disrupts the p.His102 amino acid residue in SDHD. Other variant(s) that disrupt this residue have been determined to be pathogenic (PMID: 22241717; Invitae; externalcommunication). This suggests that this residue is clinically significant, and that variants that disrupt this residue are likely to be disease-causing. For these reasons, this variant has been classified as Pathogenic.

OMIM
Classification: Pathogenic for PHEOCHROMOCYTOMA/PARAGANGLIOMA SYNDROME 1. Last evaluated: 2000-02-04. Review status: no assertion criteria provided. Collection method: literature only. Allele origin: germline. Not counted in ClinVar's aggregate classification.

Literature cited by the submitters: PubMed 10657297 (cited by 3 submitters); PubMed 12811540 (cited by Ambry Genetics and Labcorp Genetics (formerly Invitae), Labcorp); PubMed 22025150 (cited by Ambry Genetics); PubMed 22241717 (cited by Ambry Genetics and Labcorp Genetics (formerly Invitae), Labcorp).